The following is an entry in ClinVar:

NM_144687.4(NLRP12):c.2748G>A (p.Gln916=)

Gene: NLRP12 (NLR family pyrin domain containing 12; minus strand). Cytogenetic location: 19q13.42.
Variant type: single nucleotide variant.
Coding change: c.2748G>A on transcript NM_144687.4 (MANE Select); coding-DNA position 2748, G replaced by A.
Protein change: p.Gln916=; no amino-acid change (glutamine 916 retained).
Molecular consequence: synonymous variant.
Genome position (GRCh38, 1-based): chr19:53,801,235, C>T on the plus strand (G>A on the coding strand, the complement: NLRP12 is on the minus strand). VCF-style: chr19-53801235-C-T. GRCh37 (hg19) VCF-style: chr19-54304489-C-T.
Other names: c.2751G>A, p.Gln917= (NM_001277126.2); c.2748G>A, p.Gln916= (NM_001277129.1).
Identifiers: ClinVar variation 330013 (VCV000330013.35), dbSNP rs368633277, ClinGen allele CA9638944.

ClinVar aggregate classification (germline): Likely benign. Review status: criteria provided, multiple submitters, no conflicts (2 of 4 stars). 5 submissions from 5 submitters: Likely benign (4). 1 of the submissions does not count toward it. Last evaluated 2026-01-26.

Conditions:
NLRP12-related disorder. Also called: NLRP12-related condition; NLRP12-related conditions.
Familial cold autoinflammatory syndrome 2 (FCAS2). Identifiers: Orphanet 247868, MedGen C2673198, MONDO:0012724, OMIM 611762.

Allele frequency attached by ClinVar (database versions not stated): ExAC 0.00011; gnomAD exomes 0.00012 and 0.00023; gnomAD 0.00013; TOPMed 0.00014; ESP Exome Variant Server 0.00015; 1000 Genomes Project 0.00020; 1000 Genomes Project 30x 0.00031.
gnomAD v4.1: 355 of 1,613,886 alleles (0.022%); highest among the groups gnomAD compares: Admixed American, 0.032%; no homozygotes.

Submissions (5):

Labcorp Genetics (formerly Invitae), Labcorp
Classification: Likely benign for Familial cold autoinflammatory syndrome 2. Last evaluated: 2026-01-26. Review status: criteria provided, single submitter. Criteria: Invitae Variant Classification Sherloc (09022015). Collection method: clinical testing. Allele origin: germline.

Blueprint Genetics
Classification: Likely benign. Last evaluated: 2024-10-30. Review status: criteria provided, single submitter. Criteria: ACMG Guidelines, 2015. Collection method: clinical testing. Allele origin: germline.

CeGaT Center for Human Genetics Tuebingen
Classification: Likely benign. Last evaluated: 2024-05-01. Review status: criteria provided, single submitter. Criteria: CeGaT Center For Human Genetics Tuebingen Variant Classification Criteria Version 2. Collection method: clinical testing. Allele origin: germline. Affected: yes. Observed: 1 variant allele.
Comment: NLRP12: BP4, BP7

Illumina Laboratory Services, Illumina
Classification: Likely benign for Familial cold autoinflammatory syndrome 2. Last evaluated: 2018-01-12. Review status: criteria provided, single submitter. Criteria: ICSL Variant Classification Criteria 13 December 2019. Collection method: clinical testing. Allele origin: germline.
Comment: This variant was observed in the ICSL laboratory as part of a predisposition screen in an ostensibly healthy population. It had not been previously curated by ICSL or reported in the Human Gene Mutation Database (HGMD: prior to June 1st, 2018), and was therefore a candidate for classification through an automated scoring system. Utilizing variant allele frequency, disease prevalence and penetrance estimates, and inheritance mode, an automated score was calculated to assess if this variant is too frequent to cause the disease. Based on the score and internal cut-off values, a variant classified as likely benign is not then subjected to further curation. The score for this variant resulted in a classification of likely benign for this disease.

PreventionGenetics, part of Exact Sciences
Classification: Likely benign for NLRP12-related condition. Last evaluated: 2024-02-01. Review status: no assertion criteria provided. Collection method: clinical testing. Allele origin: germline. Not counted in ClinVar's aggregate classification.
Comment: This variant is classified as likely benign based on ACMG/AMP sequence variant interpretation guidelines (Richards et al. 2015 PMID: 25741868, with internal and published modifications).